The following is an entry in ClinVar:

NM_014845.6(FIG4):c.2011A>G (p.Ile671Val)

Gene: FIG4 (FIG4 phosphoinositide 5-phosphatase; plus strand). Cytogenetic location: 6q21.
Variant type: single nucleotide variant.
Coding change: c.2011A>G on transcript NM_014845.6 (MANE Select); coding-DNA position 2011, A replaced by G.
Protein change: p.Ile671Val; replaces isoleucine 671 with valine.
Molecular consequence: missense variant.
Genome position (GRCh38, 1-based): chr6:109,786,364, A>G. VCF-style: chr6-109786364-A-G. GRCh37 (hg19) VCF-style: chr6-110107567-A-G.
Other names: short protein forms I671V.
Identifiers: ClinVar variation 476854 (VCV000476854.7), dbSNP rs1554307877, ClinGen allele CA365231834.
Genomic context (GRCh38, chr6:109,786,364, plus strand): 5'-ATCTGTGCTGTGAACTTAAAGAAGTTGATAGTGAAGAAATTCCACAAATATGAAGAAGAG[A>G]TTGATATCCACAATGAGTTCTTTCGGCCATATGAGTTGAGCAGCTTTGATGATACCTTTT-3'
Protein context (NP_055660.1, residues 661-681): VKKFHKYEEE[Ile671Val]DIHNEFFRPY

ClinVar aggregate classification (germline): Uncertain significance. Review status: criteria provided, single submitter (1 of 4 stars). 2 submissions from 2 submitters: Uncertain significance (1). 1 of the submissions does not count toward it. Last evaluated 2021-08-27.

Conditions:
Charcot-Marie-Tooth disease type 4. Also called: Charcot-Marie-Tooth, Type 4; Charcot-Marie-Tooth disease, type IV. Identifiers: Orphanet 64749, MedGen C4082197, MONDO:0018995.
FIG4-related disorder. Also called: FIG4-related condition; FIG4-related disorders.

Allele frequency attached by ClinVar (database versions not stated): gnomAD exomes below 0.00001; TOPMed 0.00001.
gnomAD v4.1: 1 of 1,613,814 alleles (0.000062%); highest among the groups gnomAD compares: Non-Finnish European, 0.000085%; no homozygotes.

Submissions (2):

Labcorp Genetics (formerly Invitae), Labcorp
Classification: Uncertain significance for Charcot-Marie-Tooth disease type 4. Last evaluated: 2021-08-27. Review status: criteria provided, single submitter. Criteria: Invitae Variant Classification Sherloc (09022015). Collection method: clinical testing. Allele origin: germline.
Comment: This sequence change replaces isoleucine with valine at codon 671 of the FIG4 protein (p.Ile671Val). The isoleucine residue is moderately conserved and there is a small physicochemical difference between isoleucine and valine. This variant is not present in population databases (ExAC no frequency). This variant has not been reported in the literature in individuals affected with FIG4-related conditions. Algorithms developed to predict the effect of missense changes on protein structure and function (SIFT, PolyPhen-2, Align-GVGD) all suggest that this variant is likely to be tolerated. Algorithms developed to predict the effect of sequence changes on RNA splicing suggest that this variant may create or strengthen a splice site. In summary, the available evidence is currently insufficient to determine the role of this variant in disease. Therefore, it has been classified as a Variant of Uncertain Significance.

PreventionGenetics, part of Exact Sciences
Classification: Uncertain significance for FIG4-related condition. Last evaluated: 2024-02-06. Review status: no assertion criteria provided. Collection method: clinical testing. Allele origin: germline. Not counted in ClinVar's aggregate classification.
Comment: The FIG4 c.2011A>G variant is predicted to result in the amino acid substitution p.Ile671Val. To our knowledge, this variant has not been reported in the literature or in a large population database, indicating this variant is rare. At this time, the clinical significance of this variant is uncertain due to the absence of conclusive functional and genetic evidence.